The following is an entry in ClinVar:

NM_000038.6(APC):c.527A>G (p.Glu176Gly)

Gene: APC (APC regulator of Wnt signaling pathway; plus strand). Cytogenetic location: 5q22.2.
Variant type: single nucleotide variant.
Coding change: c.527A>G on transcript NM_000038.6 (MANE Select); coding-DNA position 527, A replaced by G.
Protein change: p.Glu176Gly; replaces glutamic acid 176 with glycine.
Molecular consequence: missense variant. On other transcripts: 5 prime UTR variant (1).
Genome position (GRCh38, 1-based): chr5:112,775,733, A>G. VCF-style: chr5-112775733-A-G. GRCh37 (hg19) VCF-style: chr5-112111430-A-G.
Other names: c.527A>G, p.Glu176Gly (NM_001127510.3, NM_001354895.2, NM_001354896.2 and 2 more transcripts); c.557A>G, p.Glu186Gly (NM_001127511.3, NM_001354897.2, NM_001354902.2); c.452A>G, p.Glu151Gly (NM_001354898.2, NM_001354904.2); c.350A>G, p.Glu117Gly (NM_001354900.2, NM_001354901.2, NM_001354905.2); c.-509A>G (NM_001354906.2); c.527A>G (NM_000038.5); short protein forms E117G, E186G, E151G, E176G.
Identifiers: ClinVar variation 1406259 (VCV001406259.9), dbSNP rs1580359661, ClinGen allele CA16022479.
Genomic context (GRCh38, chr5:112,775,733, plus strand): 5'-ACTGGTATTACGCTCAACTTCAGAATCTCACTAAAAGAATAGATAGTCTTCCTTTAACTG[A>G]AAATGTAAGTAACTTGGCAGTACAACTTATTTGAAACTTTAATAACTTGATATTTTAAAG-3'
Protein context (NP_000029.2, residues 166-186): TKRIDSLPLT[Glu176Gly]NFSLQTDMTR

ClinVar aggregate classification (germline): Uncertain significance. Review status: criteria provided, multiple submitters, no conflicts (2 of 4 stars). 2 submissions from 2 submitters: Uncertain significance (2). Last evaluated 2025-03-18.

Conditions:
Familial adenomatous polyposis 1 (FAP1). Also called: POLYPOSIS, ADENOMATOUS INTESTINAL; FAMILIAL ADENOMATOUS POLYPOSIS 1, ATTENUATED. Identifiers: MedGen C2713442, MONDO:0021056, OMIM 175100. Disease mechanism: loss of function.

Submissions (2):

Quest Diagnostics Nichols Institute San Juan Capistrano
Classification: Uncertain significance. Last evaluated: 2025-03-18. Review status: criteria provided, single submitter. Criteria: Quest Diagnostics criteria. Collection method: clinical testing. Allele origin: unknown.
Comment: The APC c.527A>G (p.Glu176Gly) variant has not been reported in individuals with APC-related conditions in the published literature. It also has not been reported in large, multi-ethnic general populations (Genome Aggregation Database). Analysis of this variant using bioinformatics tools for the prediction of the effect of amino acid changes on protein structure and function yielded conflicting predictions that this variant is deleterious or benign. Based on the available information, we are unable to determine the clinical significance of this variant.

Labcorp Genetics (formerly Invitae), Labcorp
Classification: Uncertain significance for Familial adenomatous polyposis 1. Last evaluated: 2021-06-16. Review status: criteria provided, single submitter. Criteria: Invitae Variant Classification Sherloc (09022015). Collection method: clinical testing. Allele origin: germline.
Comment: In summary, the available evidence is currently insufficient to determine the role of this variant in disease. Therefore, it has been classified as a Variant of Uncertain Significance. Algorithms developed to predict the effect of missense changes on protein structure and function are either unavailable or do not agree on the potential impact of this missense change (SIFT: "Deleterious"; PolyPhen-2: "Possibly Damaging"; Align-GVGD: "Class C0"). This variant has not been reported in the literature in individuals with APC-related conditions. This variant is not present in population databases (ExAC no frequency). This sequence change replaces glutamic acid with glycine at codon 176 of the APC protein (p.Glu176Gly). The glutamic acid residue is highly conserved and there is a moderate physicochemical difference between glutamic acid and glycine.